The following is an entry in ClinVar:

ClinVar aggregate classification (germline): Uncertain significance. Review status: criteria provided, multiple submitters, no conflicts (2 of 4 stars). 3 submissions from 3 submitters: Uncertain significance (3). Last evaluated 2025-12-17.

Conditions:
Cardiovascular phenotype. Identifiers: MedGen CN230736.
RASopathy. Also called: Noonan spectrum disorder; rasopathies. Identifiers: Orphanet 536391, MedGen C5555857, MONDO:0021060.
PTPN11-related disorder. Also called: PTPN11-Related Disorders.

Allele frequency attached by ClinVar (database versions not stated): TOPMed below 0.00001.

Submissions (3):

PreventionGenetics, part of Exact Sciences
Classification: Uncertain significance for PTPN11-related condition. Last evaluated: 2025-12-17. Review status: criteria provided, single submitter. Criteria: ACMG Guidelines, 2015. Collection method: clinical testing. Allele origin: germline.
Comment: The PTPN11 c.1552G>T variant is predicted to result in the amino acid substitution p.Val518Phe. To our knowledge, this variant has not been reported in the literature or in a large population database (gnomAD), indicating this variant is rare. At this time, the clinical significance of this variant is uncertain due to the absence of conclusive functional and genetic evidence.

Labcorp Genetics (formerly Invitae), Labcorp
Classification: Uncertain significance for RASopathy. Last evaluated: 2024-04-17. Review status: criteria provided, single submitter. Criteria: Invitae Variant Classification Sherloc (09022015). Collection method: clinical testing. Allele origin: germline.
Comment: This sequence change replaces valine, which is neutral and non-polar, with phenylalanine, which is neutral and non-polar, at codon 518 of the PTPN11 protein (p.Val518Phe). This variant is not present in population databases (gnomAD no frequency). This variant has not been reported in the literature in individuals affected with PTPN11-related conditions. ClinVar contains an entry for this variant (Variation ID: 1775089). Advanced modeling of protein sequence and biophysical properties (such as structural, functional, and spatial information, amino acid conservation, physicochemical variation, residue mobility, and thermodynamic stability) performed at Invitae indicates that this missense variant is expected to disrupt PTPN11 protein function with a positive predictive value of 95%. In summary, the available evidence is currently insufficient to determine the role of this variant in disease. Therefore, it has been classified as a Variant of Uncertain Significance.

Ambry Genetics
Classification: Uncertain significance for Cardiovascular phenotype. Last evaluated: 2018-09-29. Review status: criteria provided, single submitter. Criteria: Ambry Variant Classification Scheme 2023. Collection method: clinical testing. Allele origin: germline.
Comment: The p.V518F variant (also known as c.1552G>T), located in coding exon 13 of the PTPN11 gene, results from a G to T substitution at nucleotide position 1552. The valine at codon 518 is replaced by phenylalanine, an amino acid with highly similar properties. This amino acid position is highly conserved in available vertebrate species. In addition, this alteration is predicted to be deleterious by in silico analysis. Since supporting evidence is limited at this time, the clinical significance of this alteration remains unclear.

NM_002834.5(PTPN11):c.1552G>T (p.Val518Phe)

Gene: PTPN11 (protein tyrosine phosphatase non-receptor type 11; plus strand). Cytogenetic location: 12q24.13.
Variant type: single nucleotide variant.
Coding change: c.1552G>T on transcript NM_002834.5 (MANE Select); coding-DNA position 1552, G replaced by T.
Protein change: p.Val518Phe; replaces valine 518 with phenylalanine.
Molecular consequence: missense variant.
Genome position (GRCh38, 1-based): chr12:112,489,128, G>T. VCF-style: chr12-112489128-G-T. GRCh37 (hg19) VCF-style: chr12-112926932-G-T.
Other names: c.1564G>T, p.Val522Phe (NM_001330437.2); c.1549G>T, p.Val517Phe (NM_001374625.1); c.1552G>T (NM_002834.4); short protein forms V522F, V517F, V518F.
Identifiers: ClinVar variation 1775089 (VCV001775089.5), dbSNP rs1488010874, ClinGen allele CA386780000.